The following is an entry in ClinVar:

ClinVar aggregate classification (germline): Uncertain significance (1 of 4 stars; one submission).

Allele frequency attached by ClinVar (database versions not stated): gnomAD exomes below 0.00001.
gnomAD v4.1: 1 of 1,612,688 alleles (0.000062%); highest among the groups gnomAD compares: Admixed American, 0.0017%; no homozygotes.

Submission:

Labcorp Genetics (formerly Invitae), Labcorp
Classification: Uncertain significance. Last evaluated: 2020-10-19. Review status: criteria provided, single submitter. Criteria: Invitae Variant Classification Sherloc (09022015). Collection method: clinical testing. Allele origin: germline.
Comment: Algorithms developed to predict the effect of missense changes on protein structure and function output the following: SIFT: "Tolerated"; PolyPhen-2: "Benign"; Align-GVGD: "Class C0". The glycine amino acid residue is found in multiple mammalian species, suggesting that this missense change does not adversely affect protein function. These predictions have not been confirmed by published functional studies and their clinical significance is uncertain. In summary, the available evidence is currently insufficient to determine the role of this variant in disease. Therefore, it has been classified as a Variant of Uncertain Significance. This variant has not been reported in the literature in individuals with AP3D1-related conditions. This variant is not present in population databases (ExAC no frequency). This sequence change replaces aspartic acid with glycine at codon 589 of the AP3D1 protein (p.Asp589Gly). The aspartic acid residue is weakly conserved and there is a moderate physicochemical difference between aspartic acid and glycine.

NM_001261826.3(AP3D1):c.1766A>G (p.Asp589Gly)

Gene: AP3D1 (adaptor related protein complex 3 subunit delta 1; minus strand). Cytogenetic location: 19p13.3.
Variant type: single nucleotide variant.
Coding change: c.1766A>G on transcript NM_001261826.3 (MANE Select); coding-DNA position 1766, A replaced by G.
Protein change: p.Asp589Gly; replaces aspartic acid 589 with glycine.
Molecular consequence: missense variant.
Genome position (GRCh38, 1-based): chr19:2,117,315, T>C on the plus strand (A>G on the coding strand, the complement: AP3D1 is on the minus strand). VCF-style: chr19-2117315-T-C. GRCh37 (hg19) VCF-style: chr19-2117314-T-C.
Other names: c.1766A>G, p.Asp589Gly (NM_001374799.1, NM_003938.8); short protein forms D589G.
Identifiers: ClinVar variation 1018246 (VCV001018246.8), dbSNP rs2018485368, ClinGen allele CA403219888.